The following is an entry in ClinVar:

ClinVar aggregate classification (germline): Pathogenic (1 of 4 stars; one submission).

Conditions:
Neurodevelopmental disorder with hypotonia, stereotypic hand movements, and impaired language. Also called: Intellectual disability, autosomal dominant 20. Identifiers: Orphanet 228384, Orphanet 664410, MedGen C3150700, MONDO:0013266, OMIM 613443.

Submission:

Labcorp Genetics (formerly Invitae), Labcorp
Classification: Pathogenic for Neurodevelopmental disorder with hypotonia, stereotypic hand movements, and impaired language. Last evaluated: 2022-12-02. Review status: criteria provided, single submitter. Criteria: Invitae Variant Classification Sherloc (09022015). Collection method: clinical testing. Allele origin: germline.
Comment: This sequence change creates a premature translational stop signal (p.Val65Serfs*13) in the MEF2C gene. It is expected to result in an absent or disrupted protein product. Loss-of-function variants in MEF2C are known to be pathogenic (PMID: 20513142). This variant is not present in population databases (gnomAD no frequency). This variant has not been reported in the literature in individuals affected with MEF2C-related conditions. ClinVar contains an entry for this variant (Variation ID: 639211). For these reasons, this variant has been classified as Pathogenic.

Literature cited by the submitters: PubMed 20513142.

NM_002397.5(MEF2C):c.192dup (p.Val65fs)

Gene: MEF2C (myocyte enhancer factor 2C; minus strand). Cytogenetic location: 5q14.3.
Variant type: Duplication.
Coding change: c.192dup on transcript NM_002397.5 (MANE Select); coding-DNA position 192, one base duplicated (A; older notation c.192dupA).
Protein change: p.Val65fs; shifts the reading frame from valine 65.
Molecular consequence: frameshift variant.
Genome position (GRCh38, 1-based): chr5:88,804,664, T duplicated on the plus strand (A on the coding strand, the reverse complement: MEF2C is on the minus strand); the first of 3 consecutive T bases (chr5:88,804,664-88,804,666); duplicating any one gives the same sequence. VCF-style (leftmost placement, unchanged base first): chr5-88804663-C-CT. GRCh37 (hg19) VCF-style: chr5-88100480-C-CT.
Other names: c.192dup, p.Val65fs (NM_001131005.2, NM_001193347.1, NM_001193348.1 and 29 more transcripts); short protein forms V65fs.
Identifiers: ClinVar variation 639211 (VCV000639211.7), dbSNP rs1580988138, ClinGen allele CA915943460.